The following is an entry in ClinVar:

ClinVar aggregate classification (germline): Uncertain significance (1 of 4 stars; one submission).

gnomAD v4.1: 3 of 1,556,006 alleles (0.00019%); highest among the groups gnomAD compares: Non-Finnish European, 0.000087%; no homozygotes.

Submission:

GeneDx
Classification: Uncertain significance. Last evaluated: 2025-05-27. Review status: criteria provided, single submitter. Criteria: GeneDx Variant Classification Process June 2021. Collection method: clinical testing. Allele origin: germline. Affected: yes.
Comment: Not observed at significant frequency in large population cohorts (gnomAD); In silico analysis supports that this missense variant has a deleterious effect on protein structure/function; Has not been previously published as pathogenic or benign to our knowledge; This variant is associated with the following publications: (PMID: 22508754)

NM_007254.4(PNKP):c.1008C>G (p.Phe336Leu)

Gene: PNKP (polynucleotide kinase 3'-phosphatase; minus strand). Cytogenetic location: 19q13.33.
Variant type: single nucleotide variant.
Coding change: c.1008C>G on transcript NM_007254.4 (MANE Select); coding-DNA position 1008, C replaced by G.
Protein change: p.Phe336Leu; replaces phenylalanine 336 with leucine.
Molecular consequence: missense variant.
Genome position (GRCh38, 1-based): chr19:49,862,392, G>C on the plus strand (C>G on the coding strand, the complement: PNKP is on the minus strand). VCF-style: chr19-49862392-G-C. GRCh37 (hg19) VCF-style: chr19-50365649-G-C.
Other names: short protein forms F336L.
Identifiers: ClinVar variation 4532455 (VCV004532455.1).
Genomic context (GRCh38, chr19:49,862,392, plus strand): 5'-CCTCCCATCCCCACCCCCACCCCCGCCCCAGGGCCTCACCGGATCAAAGGCTGGGAGCTC[G>C]AAGCCGGCTGCTGGCCACTTGAGAAAGAACTCCTCAGGCGTGGCGAAGGGCAGGCCAAGG-3'
Protein context (NP_009185.2, residues 326-346): EFFLKWPAAG[Phe336Leu]ELPAFDPRTV